The following is an entry in ClinVar:

ClinVar aggregate classification (germline): Conflicting classifications of pathogenicity. Review status: criteria provided, conflicting classifications (1 of 4 stars). 6 submissions from 5 submitters: Likely pathogenic (2); Uncertain significance (2); Benign (1); Likely benign (1). Last evaluated 2025-12-15.

Conditions:
Autosomal recessive distal renal tubular acidosis. Identifiers: Orphanet 402041, MedGen C1864498, MONDO:0018440.
Renal tubular acidosis, distal, 4, with hemolytic anemia. Also called: Renal Tubular Acidosis, Distal, with Hemolytic Anemia. Identifiers: Orphanet 93610, MedGen C5436235, MONDO:0012700, OMIM 611590.

Allele frequency attached by ClinVar (database versions not stated): 1000 Genomes Project 0.00260; 1000 Genomes Project 30x 0.00344; gnomAD 0.00003 and 0.00038; TOPMed 0.00014; gnomAD exomes 0.00070 and 0.00152; ExAC 0.00176.
gnomAD v4.1: 1,091 of 1,613,708 alleles (0.068%); highest among the groups gnomAD compares: South Asian, 1.1%; 18 homozygotes.

Submissions (6):

Labcorp Genetics (formerly Invitae), Labcorp
Classification: Benign. Last evaluated: 2025-12-15. Review status: criteria provided, single submitter. Criteria: Invitae Variant Classification Sherloc (09022015). Collection method: clinical testing. Allele origin: germline.

Mayo Clinic Laboratories, Mayo Clinic
Classification: Uncertain significance. Last evaluated: 2025-05-22. Review status: criteria provided, single submitter. Criteria: ACMG Guidelines, 2015. Collection method: clinical testing. Allele origin: germline. Observed: 2 variant alleles.
Comment: BS2

Laboratory of Cyto-molecular Genetics, Department of Anatomy, All India Institute of Medical Sciences (AIIMS), New Delhi
Classification: Likely pathogenic for Autosomal recessive distal renal tubular acidosis. Last evaluated: 2022-03-14. Review status: criteria provided, single submitter. Criteria: ACMG Guidelines, 2015. Collection method: clinical testing. Allele origin: biparental. Inheritance: Autosomal recessive inheritance. Affected: yes. Observed: 1 homozygote.

Laboratory of Cyto-molecular Genetics, Department of Anatomy, All India Institute of Medical Sciences (AIIMS), New Delhi
Classification: Likely pathogenic for Renal tubular acidosis, distal, 4, with hemolytic anemia. Last evaluated: 2022-03-07. Review status: criteria provided, single submitter. Criteria: ACMG Guidelines, 2015. Collection method: clinical testing. Allele origin: germline. Affected: yes. Observed: 3 variant alleles.
Comment: p.(Asp238Val), missense variant

GeneDx
Classification: Likely benign. Last evaluated: 2021-05-09. Review status: criteria provided, single submitter. Criteria: GeneDx Variant Classification Process June 2021. Collection method: clinical testing. Allele origin: germline. Affected: yes.
Comment: See Variant Classification Assertion Criteria.

Neuberg Centre For Genomic Medicine, NCGM
Classification: Uncertain significance for Renal tubular acidosis, distal, 4, with hemolytic anemia. Review status: criteria provided, single submitter. Criteria: ACMG Guidelines, 2015. Collection method: clinical testing. Allele origin: germline. Inheritance: Autosomal recessive inheritance. Affected: yes.
Comment: The missense c.713A>T p.Glu238Val variant in SLC4A1 gene has been reported previously in homozygous state in individuals affected with SLC4A1-related disorder. The p.Glu238Val variant is reported with an allele frequency of 0.2% in the gnomAD exomes database. This variant has been reported to the ClinVar database as Likely Benign / Benign / Likely Pathogenic. The amino acid change p.Glu238Val in SLC4A1 is predicted as conserved by GERP++ and PhyloP across 100 vertebrates. The amino acid Glu at position 238 is changed to a Val changing protein sequence and it might alter its composition and physico-chemical properties. For these reasons, this variant has been classified as a Variant of Uncertain Significance VUS. In the absence of another reportable variant in SLC4A1 gene, the molecular diagnosis is not confirmed.

Literature cited by the submitters: PubMed 31401766 (cited by Mayo Clinic Laboratories, Mayo Clinic); PubMed 35738466 (cited by Mayo Clinic Laboratories, Mayo Clinic and Laboratory of Cyto-molecular Genetics, Department of Anatomy, All India Institute of Medical Sciences (AIIMS), New Delhi).

NM_000342.4(SLC4A1):c.713A>T (p.Glu238Val)

Gene: SLC4A1 (solute carrier family 4 member 1 (Diego blood group); minus strand). Cytogenetic location: 17q21.31.
Variant type: single nucleotide variant.
Coding change: c.713A>T on transcript NM_000342.4 (MANE Select); coding-DNA position 713, A replaced by T.
Protein change: p.Glu238Val; replaces glutamic acid 238 with valine.
Molecular consequence: missense variant.
Genome position (GRCh38, 1-based): chr17:44,259,326, T>A on the plus strand (A>T on the coding strand, the complement: SLC4A1 is on the minus strand). VCF-style: chr17-44259326-T-A. GRCh37 (hg19) VCF-style: chr17-42336694-T-A.
Other names: p.Glu238Val; c.713A>T (NM_000342.3); short protein forms E238V.
Identifiers: ClinVar variation 1343088 (VCV001343088.14), dbSNP rs571740084, ClinGen allele CA8600485.